The following is an entry in ClinVar:

ClinVar aggregate classification (germline): Uncertain significance. Review status: criteria provided, multiple submitters, no conflicts (2 of 4 stars). 2 submissions from 2 submitters: Uncertain significance (2). Last evaluated 2025-09-07.

Conditions:
POLD1-related polyposis and colorectal cancer syndrome (CRCS10). Also called: Colorectal cancer 10; Colorectal cancer, susceptibility to, 10; COLORECTAL CANCER, SUSCEPTIBILITY TO, ON CHROMOSOME 19q. Identifiers: Orphanet 220460, MedGen C2675481, MONDO:0012953, OMIM 612591.
Hereditary cancer-predisposing syndrome. Also called: Tumor predisposition; Hereditary Cancer Syndrome; Hereditary neoplastic syndrome; Neoplastic Syndromes, Hereditary. Identifiers: Orphanet 140162, MedGen C0027672, MeSH D009386, MONDO:0015356.

Submissions (2):

Ambry Genetics
Classification: Uncertain significance for Hereditary cancer-predisposing syndrome. Last evaluated: 2025-09-07. Review status: criteria provided, single submitter. Criteria: Ambry Variant Classification Scheme 2023. Collection method: clinical testing. Allele origin: germline.
Comment: The p.T678S variant (also known as c.2032A>T), located in coding exon 16 of the POLD1 gene, results from an A to T substitution at nucleotide position 2032. The threonine at codon 678 is replaced by serine, an amino acid with similar properties. This amino acid position is conserved. In addition, this alteration is predicted to be tolerated by in silico analysis. Based on the available evidence, the clinical significance of this variant remains unclear.

Labcorp Genetics (formerly Invitae), Labcorp
Classification: Uncertain significance for POLD1-related polyposis and colorectal cancer syndrome. Last evaluated: 2025-06-05. Review status: criteria provided, single submitter. Criteria: Invitae Variant Classification Sherloc (09022015). Collection method: clinical testing. Allele origin: germline.
Comment: This sequence change replaces threonine, which is neutral and polar, with serine, which is neutral and polar, at codon 678 of the POLD1 protein (p.Thr678Ser). This variant is not present in population databases (gnomAD no frequency). This variant has not been reported in the literature in individuals affected with POLD1-related conditions. ClinVar contains an entry for this variant (Variation ID: 2719894). Invitae Evidence Modeling of protein sequence and biophysical properties (such as structural, functional, and spatial information, amino acid conservation, physicochemical variation, residue mobility, and thermodynamic stability) indicates that this missense variant is not expected to disrupt POLD1 protein function with a negative predictive value of 80%. In summary, the available evidence is currently insufficient to determine the role of this variant in disease. Therefore, it has been classified as a Variant of Uncertain Significance.

NM_002691.4(POLD1):c.2032A>T (p.Thr678Ser)

Gene: POLD1 (DNA polymerase delta 1, catalytic subunit; plus strand). Cytogenetic location: 19q13.33.
Variant type: single nucleotide variant.
Coding change: c.2032A>T on transcript NM_002691.4 (MANE Select); coding-DNA position 2032, A replaced by T.
Protein change: p.Thr678Ser; replaces threonine 678 with serine.
Molecular consequence: missense variant. On other transcripts: non-coding transcript variant (1).
Genome position (GRCh38, 1-based): chr19:50,409,544, A>T. VCF-style: chr19-50409544-A-T. GRCh37 (hg19) VCF-style: chr19-50912801-A-T.
Other names: c.2032A>T, p.Thr678Ser (NM_001256849.1); c.2110A>T, p.Thr704Ser (NM_001308632.1); c.2032A>T (NM_002691.2); short protein forms T678S, T704S.
Identifiers: ClinVar variation 2719894 (VCV002719894.4), dbSNP rs2122385304, ClinGen allele CA406982489.
Genomic context (GRCh38, chr19:50,409,544, plus strand): 5'-CCGCCTGAGTGTGCTTTCCCCGTGTTCCCTCGCAGGGCCAAGGCCGAGCTGGCCAAGGAG[A>T]CAGACCCCCTCCGGCGCCAGGTCCTGGATGGACGGCAGCTGGCGCTGAAGGTGAGCGCCA-3'
Protein context (NP_002682.2, residues 668-688): KRAKAELAKE[Thr678Ser]DPLRRQVLDG